The following is an entry in ClinVar:

NM_153460.4(IL17RC):c.1388-1G>A

Gene: IL17RC (interleukin 17 receptor C; plus strand). Cytogenetic location: 3p25.3.
Variant type: single nucleotide variant.
Coding change: c.1388-1G>A on transcript NM_153460.4 (MANE Select); the canonical splice acceptor site of the intron before coding-DNA position 1388, G replaced by A.
Molecular consequence: splice acceptor variant.
Genome position (GRCh38, 1-based): chr3:9,932,607, G>A. VCF-style: chr3-9932607-G-A. GRCh37 (hg19) VCF-style: chr3-9974291-G-A.
Other names: c.1601-1G>A (NM_153461.4); c.1388-1G>A (NM_001203263.2); c.1337-1G>A (NM_001203264.2); c.1349-1G>A (NM_001367278.1); c.1343-1G>A (NM_032732.6, NM_001367280.1); c.1292-1G>A (NM_001203265.2, NM_001410711.1); c.1268-1G>A (NM_001367279.1).
Identifiers: ClinVar variation 2073238 (VCV002073238.4), dbSNP rs2470417735, ClinGen allele CA351702582.

ClinVar aggregate classification (germline): Uncertain significance (1 of 4 stars; one submission).

Conditions:
Candidiasis, familial, 9 (CANDF9). Identifiers: Orphanet 1334, MedGen C4225324, MONDO:0014642, OMIM 616445.

Submission:

Labcorp Genetics (formerly Invitae), Labcorp
Classification: Uncertain significance for Candidiasis, familial, 9. Last evaluated: 2022-01-11. Review status: criteria provided, single submitter. Criteria: Invitae Variant Classification Sherloc (09022015). Collection method: clinical testing. Allele origin: germline.
Comment: This sequence change affects an acceptor splice site in intron 16 of the IL17RC gene. It is expected to disrupt RNA splicing. Variants that disrupt the donor or acceptor splice site typically lead to a loss of protein function (PMID: 16199547), however the current clinical and genetic evidence is not sufficient to establish whether loss-of-function variants in IL17RC cause disease. This variant is not present in population databases (gnomAD no frequency). This variant has not been reported in the literature in individuals affected with IL17RC-related conditions. Algorithms developed to predict the effect of sequence changes on RNA splicing suggest that this variant may disrupt the consensus splice site. In summary, the available evidence is currently insufficient to determine the role of this variant in disease. Therefore, it has been classified as a Variant of Uncertain Significance.

Literature cited by the submitters: PubMed 16199547.